The following is an entry in ClinVar:

NM_001017995.3(SH3PXD2B):c.1141A>G (p.Thr381Ala)

Gene: SH3PXD2B (SH3 and PX domains 2B; minus strand). Cytogenetic location: 5q35.1.
Variant type: single nucleotide variant.
Coding change: c.1141A>G on transcript NM_001017995.3 (MANE Select); coding-DNA position 1141, A replaced by G.
Protein change: p.Thr381Ala; replaces threonine 381 with alanine.
Molecular consequence: missense variant.
Genome position (GRCh38, 1-based): chr5:172,346,183, T>C on the plus strand (A>G on the coding strand, the complement: SH3PXD2B is on the minus strand). VCF-style: chr5-172346183-T-C. GRCh37 (hg19) VCF-style: chr5-171773187-T-C.
Other names: c.1141A>G, p.Thr381Ala (NM_001308175.2); short protein forms T381A.
Identifiers: ClinVar variation 1346692 (VCV001346692.5), dbSNP rs150648145, ClinGen allele CA3561284.

ClinVar aggregate classification (germline): Uncertain significance (1 of 4 stars; one submission).

Allele frequency attached by ClinVar (database versions not stated): gnomAD exomes 0.00004 and 0.00010; ExAC 0.00015; TOPMed 0.00031; gnomAD 0.00034 and 0.00038; ESP Exome Variant Server 0.00038; 1000 Genomes Project 0.00040; 1000 Genomes Project 30x 0.00047.

Submission:

Labcorp Genetics (formerly Invitae), Labcorp
Classification: Uncertain significance. Last evaluated: 2022-02-04. Review status: criteria provided, single submitter. Criteria: Invitae Variant Classification Sherloc (09022015). Collection method: clinical testing. Allele origin: germline.
Comment: This sequence change replaces threonine, which is neutral and polar, with alanine, which is neutral and non-polar, at codon 381 of the SH3PXD2B protein (p.Thr381Ala). This variant is present in population databases (rs150648145, gnomAD 0.1%). This variant has not been reported in the literature in individuals affected with SH3PXD2B-related conditions. Algorithms developed to predict the effect of missense changes on protein structure and function (SIFT, PolyPhen-2, Align-GVGD) all suggest that this variant is likely to be disruptive. In summary, the available evidence is currently insufficient to determine the role of this variant in disease. Therefore, it has been classified as a Variant of Uncertain Significance.